The following is an entry in ClinVar:

ClinVar aggregate classification (germline): Uncertain significance (1 of 4 stars; one submission).

Conditions:
Familial adenomatous polyposis 1 (FAP1). Also called: FAMILIAL ADENOMATOUS POLYPOSIS 1, ATTENUATED; POLYPOSIS, ADENOMATOUS INTESTINAL. Identifiers: MedGen C2713442, MONDO:0021056, OMIM 175100. Disease mechanism: loss of function.

Submission:

Labcorp Genetics (formerly Invitae), Labcorp
Classification: Uncertain significance for Familial adenomatous polyposis 1. Last evaluated: 2025-12-03. Review status: criteria provided, single submitter. Criteria: Invitae Variant Classification Sherloc (09022015). Collection method: clinical testing. Allele origin: germline.
Comment: This sequence change replaces phenylalanine, which is neutral and non-polar, with leucine, which is neutral and non-polar, at codon 1741 of the APC protein (p.Phe1741Leu). This variant is not present in population databases (gnomAD no frequency). This variant has not been reported in the literature in individuals affected with APC-related conditions. Invitae Evidence Modeling of protein sequence and biophysical properties (such as structural, functional, and spatial information, amino acid conservation, physicochemical variation, residue mobility, and thermodynamic stability) indicates that this missense variant is not expected to disrupt APC protein function with a negative predictive value of 95%. In summary, the available evidence is currently insufficient to determine the role of this variant in disease. Therefore, it has been classified as a Variant of Uncertain Significance.

NM_000038.6(APC):c.5223C>G (p.Phe1741Leu)

Gene: APC (APC regulator of Wnt signaling pathway; plus strand). Cytogenetic location: 5q22.2.
Variant type: single nucleotide variant.
Coding change: c.5223C>G on transcript NM_000038.6 (MANE Select); coding-DNA position 5223, C replaced by G.
Protein change: p.Phe1741Leu; replaces phenylalanine 1741 with leucine.
Molecular consequence: missense variant. On other transcripts: non-coding transcript variant (2).
Genome position (GRCh38, 1-based): chr5:112,840,817, C>G. VCF-style: chr5-112840817-C-G. GRCh37 (hg19) VCF-style: chr5-112176514-C-G.
Other names: c.5223C>G, p.Phe1741Leu (NM_001127510.3, NM_001354895.2, NM_001407450.1); c.5169C>G, p.Phe1723Leu (NM_001127511.3); c.5277C>G, p.Phe1759Leu (NM_001354896.2, NM_001407447.1, NM_001407448.1 and 1 more transcripts); c.5253C>G, p.Phe1751Leu (NM_001354897.2); c.5148C>G, p.Phe1716Leu (NM_001354898.2); c.5139C>G, p.Phe1713Leu (NM_001354899.2); c.5100C>G, p.Phe1700Leu (NM_001354900.2); c.5046C>G, p.Phe1682Leu (NM_001354901.2, NM_001407453.1); and 11 more; short protein forms F1357L, F1458L, F1581L, F1612L, F1615L, F1640L, F1650L, F1658L.
Identifiers: ClinVar variation 4801493 (VCV004801493.1).